The following is an entry in ClinVar:

ClinVar aggregate classification (germline): Pathogenic (1 of 4 stars; one submission).

Conditions:
Intellectual disability-facial dysmorphism syndrome due to SETD5 haploinsufficiency (MRD23). Also called: Intellectual developmental disorder, autosomal dominant 23. Identifiers: Orphanet 404440, MedGen C3810406, MONDO:0014336, OMIM 615761.

Submission:

Women's Health and Genetics/Laboratory Corporation of America, LabCorp
Classification: Pathogenic for Intellectual disability-facial dysmorphism syndrome due to SETD5 haploinsufficiency. Last evaluated: 2025-07-23. Review status: criteria provided, single submitter. Criteria: LabCorp Variant Classification Summary - May 2015. Collection method: clinical testing. Allele origin: germline.
Comment: Variant summary: The variant involves the deletion of exons 20-23 in the SETD5 gene. A presumed nomenclature of c.(3195+1_3196-1)_(*2064_?)del has been designated for the purposes of this classification. The exact breakpoint at the distal 3' end of this variant is unknown, therefore this deletion may extend downstream of the annotated region of the gene. As it encompasses the termination codon, it is predicted to escape nonsense mediated decay (NMD). At-least three downstream missense and truncating variants have been reported Likely Pathogenic in ClinVar (c.3197T>G (p.Val1066Gly), c.4186C>T (p.Gln1396Ter) and c.4122dup (p.Pro1375SerfsTer5)). The variant was absent in 21694 control chromosomes in gnomAD SV database v2. To our knowledge, no occurrence of c.(3195+1_3196-1)_(*2064_?)del in individuals affected with Mental Retardation, Autosomal Dominant 23 and no experimental evidence demonstrating its impact on protein function have been reported. No submitters have cited clinical-significance assessments for this exact variant to ClinVar. A larger deletion including 3' portions of both SETD5 and LHFPL4 has been reported Pathogenic in ClinVar (Variation ID: 3391878). Based on the evidence outlined above, the variant was classified as pathogenic.

NC_000003.11:g.(9512614_9514919)_(9519839_?)del

Gene: SETD5 (SET domain containing 5; plus strand). Cytogenetic location: 3p25.3.
Variant type: Deletion.
Identifiers: ClinVar variation 4526251 (VCV004526251.1).